The following is an entry in ClinVar:

ClinVar aggregate classification (germline): Uncertain significance. Review status: criteria provided, multiple submitters, no conflicts (2 of 4 stars). 3 submissions from 3 submitters: Uncertain significance (3). Last evaluated 2026-01-31.

Conditions:
Hypertrichotic osteochondrodysplasia Cantu type. Also called: Cantú Syndrome; Cantu Syndrome. Identifiers: Orphanet 1517, MedGen C0795905, MONDO:0009406, OMIM 239850.
Dilated cardiomyopathy 1O (CMD1O). Also called: CARDIOMYOPATHY, DILATED, WITH VENTRICULAR TACHYCARDIA. Identifiers: Orphanet 154, MedGen C1837839, MONDO:0012062, OMIM 608569.

Allele frequency attached by ClinVar (database versions not stated): gnomAD exomes below 0.00001 and 0.00001; TOPMed below 0.00001; gnomAD 0.00001; ExAC 0.00002; 1000 Genomes Project 30x 0.00031; 1000 Genomes Project 0.00040.
gnomAD v4.1: 4 of 1,611,170 alleles (0.00025%); highest among the groups gnomAD compares: East Asian, 0.0089%; no homozygotes.

Submissions (3):

Labcorp Genetics (formerly Invitae), Labcorp
Classification: Uncertain significance for Dilated cardiomyopathy 1O. Last evaluated: 2026-01-31. Review status: criteria provided, single submitter. Criteria: Invitae Variant Classification Sherloc (09022015). Collection method: clinical testing. Allele origin: germline.
Comment: This sequence change falls in intron 26 of the ABCC9 gene. It does not directly change the encoded amino acid sequence of the ABCC9 protein. It affects a nucleotide within the consensus splice site. This variant is present in population databases (rs201117578, gnomAD 0.01%). This variant has not been reported in the literature in individuals affected with ABCC9-related conditions. ClinVar contains an entry for this variant (Variation ID: 464663). Variants that disrupt the consensus splice site are a relatively common cause of aberrant splicing (PMID: 17576681, 9536098). Algorithms developed to predict the effect of sequence changes on RNA splicing suggest that this variant is not likely to affect RNA splicing. In summary, the available evidence is currently insufficient to determine the role of this variant in disease. Therefore, it has been classified as a Variant of Uncertain Significance.

GeneDx
Classification: Uncertain significance. Last evaluated: 2024-01-02. Review status: criteria provided, single submitter. Criteria: GeneDx Variant Classification Process June 2021. Collection method: clinical testing. Allele origin: germline. Affected: yes.
Comment: Has not been previously published as pathogenic or benign to our knowledge; In silico analysis is inconclusive as to whether the variant alters gene splicing. In the absence of RNA/functional studies, the actual effect of this sequence change is unknown.

Clinical Genomics Laboratory, Stanford Medicine
Classification: Uncertain significance for Hypertrichotic osteochondrodysplasia Cantu type. Last evaluated: 2023-04-07. Review status: criteria provided, single submitter. Criteria: ACMG Guidelines, 2015. Collection method: clinical testing. Allele origin: germline. Observed: 1 variant allele, 1 heterozygote.
Comment: The c.3315+6T>C variant in the ABCC9 gene has not been previously reported in association with disease. This variant has been identified in 3/18,394 East Asian chromosomes (3/251,244 chromosomes overall) by the Genome Aggregation Database. This variant is present in ClinVar (Accession: VCV000464663.12). This variant occurs in the 5’ splice site and computational tools predict an impact to splicing. However, the accuracy of these computational tools is limited. These data were assessed using the ACMG/AMP variant interpretation guidelines. In summary, the significance of the c.3315+6T>C variant is uncertain. Additional information is needed to resolve the significance of this variant. [ACMG evidence codes used: PP3]

Literature cited by the submitters: PubMed 17576681 (cited by Labcorp Genetics (formerly Invitae), Labcorp); PubMed 9536098 (cited by Labcorp Genetics (formerly Invitae), Labcorp).

NM_020297.4(ABCC9):c.3315+6T>C

Gene: ABCC9 (ATP binding cassette subfamily C member 9; minus strand). Cytogenetic location: 12p12.1.
Variant type: single nucleotide variant.
Coding change: c.3315+6T>C on transcript NM_020297.4 (MANE Select); 6 bases into the intron after coding-DNA position 3315, T replaced by C.
Molecular consequence: intron variant.
Genome position (GRCh38, 1-based): chr12:21,844,477, A>G on the plus strand (T>C on the coding strand, the complement: ABCC9 is on the minus strand). VCF-style: chr12-21844477-A-G. GRCh37 (hg19) VCF-style: chr12-21997411-A-G.
Other names: c.2448+6T>C (NM_001377274.1); c.3315+6T>C (NM_005691.4, NM_001377273.1, NM_005691.2).
Identifiers: ClinVar variation 464663 (VCV000464663.13), dbSNP rs201117578, ClinGen allele CA6481138.